The following is an entry in ClinVar:

NM_007294.4(BRCA1):c.4414del (p.Leu1472fs)

Gene: BRCA1 (BRCA1 DNA repair associated; minus strand). Cytogenetic location: 17q21.31.
Variant type: Deletion.
Coding change: c.4414del on transcript NM_007294.4 (MANE Select); coding-DNA position 4414, one base deleted (C; older notation c.4414delC).
Protein change: p.Leu1472fs; shifts the reading frame from leucine 1472.
Molecular consequence: frameshift variant. On other transcripts: non-coding transcript variant (1).
Genome position (GRCh38, 1-based): chr17:43,076,558, G deleted on the plus strand (C on the coding strand, the reverse complement: BRCA1 is on the minus strand); the first of 2 consecutive G bases (chr17:43,076,558-43,076,559); deleting either gives the same sequence. VCF-style (leftmost placement, unchanged base first): chr17-43076557-AG-A. GRCh37 (hg19) VCF-style: chr17-41228574-AG-A.
Other names: c.4414delC (NM_007294.3); c.4200delC, p.Leu1401Phefs (NM_001407571.1, NM_001407894.1, NM_001407895.1 and 12 more transcripts); c.4479delC, p.Leu1494Phefs (NM_001407581.1, NM_001407582.1); c.4476delC, p.Leu1493Phefs (NM_001407583.1, NM_001407585.1, NM_001407587.1); c.4473delC, p.Leu1492Phefs (NM_001407590.1, NM_001407591.1); c.4413delC, p.Leu1472Phefs (NM_001407593.1, NM_001407594.1, NM_001407596.1 and 9 more transcripts); c.4410delC, p.Leu1471Phefs (NM_001407610.1, NM_001407611.1, NM_001407612.1 and 17 more transcripts); c.4407delC, p.Leu1470Phefs (NM_001407627.1, NM_001407628.1, NM_001407629.1 and 14 more transcripts); and 72 more; short protein forms L1472fs, L368fs, L1493fs, L1425fs.
Identifiers: ClinVar variation 631389 (VCV000631389.11), dbSNP rs1567779686, ClinGen allele CA913188857.
Genomic context (GRCh38, chr17:43,076,557, plus strand): 5'-CCTGGTTCTTTATTTTTACTGGTAGAACTATCTGCAGACACCTCAAACTTGTCAGCAGAA[AG>A]GCCTTCTGGATTCTGGCTTATAGGGTATTCACTACTTTTCTGTGAAGTTAATACTGCTTT-3'

ClinVar aggregate classification (germline): Pathogenic. Review status: criteria provided, multiple submitters, no conflicts (2 of 4 stars). 2 submissions from 2 submitters: Pathogenic (2). Last evaluated 2021-09-25.

Conditions:
Hereditary breast ovarian cancer syndrome. Also called: Hereditary breast and ovarian cancer; Hereditary breast and ovarian cancer syndrome (HBOC); Breast and ovarian cancer; Hereditary breast and ovarian cancer syndrome; BRCA1- and BRCA2-Associated Hereditary Breast and Ovarian Cancer; Hereditary breast and/or ovarian cancer syndrome. Identifiers: Orphanet 145, MedGen C0677776, MeSH D061325, MONDO:0003582. Disease mechanism: loss of function.
Hereditary cancer-predisposing syndrome. Also called: Tumor predisposition; Neoplastic Syndromes, Hereditary; Hereditary neoplastic syndrome; Hereditary Cancer Syndrome. Identifiers: Orphanet 140162, MedGen C0027672, MeSH D009386, MONDO:0015356.

Submissions (2):

Labcorp Genetics (formerly Invitae), Labcorp
Classification: Pathogenic for Hereditary breast ovarian cancer syndrome. Last evaluated: 2021-09-25. Review status: criteria provided, single submitter. Criteria: Invitae Variant Classification Sherloc (09022015). Collection method: clinical testing. Allele origin: germline.
Comment: For these reasons, this variant has been classified as Pathogenic. ClinVar contains an entry for this variant (Variation ID: 631389). This variant has not been reported in the literature in individuals affected with BRCA1-related conditions. This variant is not present in population databases (ExAC no frequency). This sequence change creates a premature translational stop signal (p.Leu1472Phefs*33) in the BRCA1 gene. It is expected to result in an absent or disrupted protein product. Loss-of-function variants in BRCA1 are known to be pathogenic (PMID: 20104584).

Color Diagnostics, LLC DBA Color Health
Classification: Pathogenic for Hereditary cancer-predisposing syndrome. Last evaluated: 2020-05-06. Review status: criteria provided, single submitter. Criteria: ACMG Guidelines, 2015. Collection method: clinical testing. Allele origin: germline.
Comment: This variant deletes 1 nucleotide in exon 13 of the BRCA1 gene, creating a frameshift and premature translation stop signal. This variant is expected to result in an absent or non-functional protein product. To our knowledge, this variant has not been reported in individuals affected with hereditary cancer in the literature. This variant has not been identified in the general population by the Genome Aggregation Database (gnomAD). Loss of BRCA1 function is a known mechanism of disease. Based on the available evidence, this variant is classified as Pathogenic.

Literature cited by the submitters: PubMed 20104584 (cited by Labcorp Genetics (formerly Invitae), Labcorp).